The following is an entry in ClinVar:

ClinVar aggregate classification (germline): Uncertain significance (1 of 4 stars; one submission).

gnomAD v4.1: 9 of 1,614,146 alleles (0.00056%); highest among the groups gnomAD compares: Non-Finnish European, 0.00076%; no homozygotes.

Submission:

GeneDx
Classification: Uncertain significance. Last evaluated: 2023-11-30. Review status: criteria provided, single submitter. Criteria: GeneDx Variant Classification Process June 2021. Collection method: clinical testing. Allele origin: germline. Affected: yes.
Comment: Not observed at significant frequency in large population cohorts (gnomAD); In silico analysis supports that this missense variant does not alter protein structure/function; Has not been previously published as pathogenic or benign to our knowledge

NM_015100.4(POGZ):c.4141C>T (p.Pro1381Ser)

Gene: POGZ (pogo transposable element derived with ZNF domain; minus strand). Cytogenetic location: 1q21.3.
Variant type: single nucleotide variant.
Coding change: c.4141C>T on transcript NM_015100.4 (MANE Select); coding-DNA position 4141, C replaced by T.
Protein change: p.Pro1381Ser; replaces proline 1381 with serine.
Molecular consequence: missense variant.
Genome position (GRCh38, 1-based): chr1:151,404,894, G>A on the plus strand (C>T on the coding strand, the complement: POGZ is on the minus strand). VCF-style: chr1-151404894-G-A. GRCh37 (hg19) VCF-style: chr1-151377370-G-A.
Other names: c.4114C>T, p.Pro1372Ser (NM_001194937.2); c.3955C>T, p.Pro1319Ser (NM_001194938.2); c.4162C>T, p.Pro1388Ser (NM_001410860.1); c.3856C>T, p.Pro1286Ser (NM_145796.4); c.3982C>T, p.Pro1328Ser (NM_207171.2); short protein forms P1286S, P1319S, P1328S, P1372S, P1381S, P1388S.
Identifiers: ClinVar variation 3342790 (VCV003342790.1).
Genomic context (GRCh38, chr1:151,404,894, plus strand): 5'-CAAAGCCATAGAAAGACTCGGTCTCACTTTCACCCTCAAAGAGCTGGTGAAGACTTTCAG[G>A]CTCAATTGTCTCTTCAGGAGATGATCTGGGTCGTGGAGTGGAAGACTCAGAATGTTCCCC-3'
Protein context (NP_055915.2, residues 1371-1391): PRSSPEETIE[Pro1381Ser]ESLHQLFEGE